The following is an entry in ClinVar:

ClinVar aggregate classification (germline): Uncertain significance (1 of 4 stars; one submission).

Conditions:
Skeletal overgrowth-craniofacial dysmorphism-hyperelastic skin-white matter lesions syndrome. Also called: SKELETAL OVERGROWTH WITH FACIAL DYSMORPHISM, HYPERELASTIC SKIN, WHITE MATTER LESIONS, AND NEUROLOGIC DETERIORATION; Kosaki overgrowth syndrome. Identifiers: Orphanet 477831, MedGen C4225270, MONDO:0014704, OMIM 616592.
Acroosteolysis-keloid-like lesions-premature aging syndrome. Also called: Premature aging syndrome, Penttinen type; Prematurely aged appearance, delayed bone maturation, acro-osteolysis, and brachydactyly; Progeroid syndrome, Penttinen type. Identifiers: Orphanet 363665, MedGen C1866182, MONDO:0011150, OMIM 601812.
Infantile myofibromatosis (IMF). Also called: Congenital generalized fibromatosis. Identifiers: Orphanet 2591, MedGen C0432284, MONDO:0016824.
Basal ganglia calcification, idiopathic, 4 (PFBC4). Also called: Familial Idiopathic Basal Ganglia Calcification 4; PRIMARY FAMILIAL BRAIN CALCIFICATION 4, AUTOSOMAL DOMINANT. Identifiers: Orphanet 1980, MedGen C3554321, MONDO:0014004, OMIM 615007.

gnomAD v4.1: 9 of 1,614,112 alleles (0.00056%); highest among the groups gnomAD compares: Middle Eastern, 0.016%; no homozygotes.

Submission:

Labcorp Genetics (formerly Invitae), Labcorp
Classification: Uncertain significance for Basal ganglia calcification, idiopathic, 4; Skeletal overgrowth-craniofacial dysmorphism-hyperelastic skin-white matter lesions syndrome; Infantile myofibromatosis; Acroosteolysis-keloid-like lesions-premature aging syndrome. Last evaluated: 2026-01-14. Review status: criteria provided, single submitter. Criteria: Invitae Variant Classification Sherloc (09022015). Collection method: clinical testing. Allele origin: germline.
Comment: This sequence change replaces arginine, which is basic and polar, with tryptophan, which is neutral and slightly polar, at codon 64 of the PDGFRB protein (p.Arg64Trp). This variant is present in population databases (rs367993439, gnomAD 0.003%). This variant has not been reported in the literature in individuals affected with PDGFRB-related conditions. Invitae Evidence Modeling of protein sequence and biophysical properties (such as structural, functional, and spatial information, amino acid conservation, physicochemical variation, residue mobility, and thermodynamic stability) indicates that this missense variant is not expected to disrupt PDGFRB protein function with a negative predictive value of 80%. In summary, the available evidence is currently insufficient to determine the role of this variant in disease. Therefore, it has been classified as a Variant of Uncertain Significance.

NM_002609.4(PDGFRB):c.190C>T (p.Arg64Trp)

Gene: PDGFRB (platelet derived growth factor receptor beta; minus strand). Cytogenetic location: 5q32.
Variant type: single nucleotide variant.
Coding change: c.190C>T on transcript NM_002609.4 (MANE Select); coding-DNA position 190, C replaced by T.
Protein change: p.Arg64Trp; replaces arginine 64 with tryptophan.
Molecular consequence: missense variant. On other transcripts: 5 prime UTR variant (2).
Genome position (GRCh38, 1-based): chr5:150,135,729, G>A on the plus strand (C>T on the coding strand, the complement: PDGFRB is on the minus strand). VCF-style: chr5-150135729-G-A. GRCh37 (hg19) VCF-style: chr5-149515292-G-A.
Other names: c.-3C>T (NM_001355016.2); c.-328C>T (NM_001355017.2); short protein forms R64W.
Identifiers: ClinVar variation 4787473 (VCV004787473.1).